The following is an entry in ClinVar:

NM_014795.4(ZEB2):c.3308C>G (p.Pro1103Arg)

Gene: ZEB2 (zinc finger E-box binding homeobox 2; minus strand). Cytogenetic location: 2q22.3.
Variant type: single nucleotide variant.
Coding change: c.3308C>G on transcript NM_014795.4 (MANE Select); coding-DNA position 3308, C replaced by G.
Protein change: p.Pro1103Arg; replaces proline 1103 with arginine.
Molecular consequence: missense variant.
Genome position (GRCh38, 1-based): chr2:144,389,788, G>C on the plus strand (C>G on the coding strand, the complement: ZEB2 is on the minus strand). VCF-style: chr2-144389788-G-C. GRCh37 (hg19) VCF-style: chr2-145147355-G-C.
Other names: c.3236C>G, p.Pro1079Arg (NM_001171653.2); short protein forms P1079R, P1103R.
Identifiers: ClinVar variation 1730031 (VCV001730031.7), dbSNP rs1385679012, ClinGen allele CA348699733.

ClinVar aggregate classification (germline): Conflicting classifications of pathogenicity. Review status: criteria provided, conflicting classifications (1 of 4 stars). 2 submissions from 2 submitters: Uncertain significance (1); Likely benign (1). Last evaluated 2024-06-04.

Conditions:
Mowat-Wilson syndrome (MOWS). Also called: Classic Mowat-Wilson Syndrome. Identifiers: Orphanet 2152, MedGen C1856113, MONDO:0009341, OMIM 235730.
Inborn genetic diseases. Identifiers: MedGen C0950123, MeSH D030342.

Allele frequency attached by ClinVar (database versions not stated): gnomAD exomes below 0.00001; gnomAD 0.00001.
gnomAD v4.1: 2 of 1,610,164 alleles (0.00012%); highest among the groups gnomAD compares: African/African-American, 0.0027%; no homozygotes.

Submissions (2):

Labcorp Genetics (formerly Invitae), Labcorp
Classification: Uncertain significance for Mowat-Wilson syndrome. Last evaluated: 2024-06-04. Review status: criteria provided, single submitter. Criteria: Invitae Variant Classification Sherloc (09022015). Collection method: clinical testing. Allele origin: germline.
Comment: This sequence change replaces proline, which is neutral and non-polar, with arginine, which is basic and polar, at codon 1103 of the ZEB2 protein (p.Pro1103Arg). This variant is present in population databases (no rsID available, gnomAD 0.02%). This variant has not been reported in the literature in individuals affected with ZEB2-related conditions. ClinVar contains an entry for this variant (Variation ID: 1730031). An algorithm developed to predict the effect of missense changes on protein structure and function (PolyPhen-2) suggests that this variant is likely to be disruptive. In summary, the available evidence is currently insufficient to determine the role of this variant in disease. Therefore, it has been classified as a Variant of Uncertain Significance.

Ambry Genetics
Classification: Likely benign for Inborn genetic diseases. Last evaluated: 2019-12-13. Review status: criteria provided, single submitter. Criteria: Ambry Variant Classification Scheme 2023. Collection method: clinical testing. Allele origin: germline.